The following is an entry in ClinVar:

ClinVar aggregate classification (germline): Uncertain significance. Review status: criteria provided, multiple submitters, no conflicts (2 of 4 stars). 2 submissions from 2 submitters: Uncertain significance (2). Last evaluated 2025-04-05.

Conditions:
LBR-related disorder. Also called: LBR-related disorders; LBR-related condition.

Allele frequency attached by ClinVar (database versions not stated): gnomAD 0.00001.
gnomAD v4.1: 8 of 1,613,522 alleles (0.0005%); highest among the groups gnomAD compares: East Asian, 0.0022%; no homozygotes.

Submissions (2):

PreventionGenetics, part of Exact Sciences
Classification: Uncertain significance for LBR-related condition. Last evaluated: 2025-04-05. Review status: criteria provided, single submitter. Criteria: ACMG Guidelines, 2015. Collection method: clinical testing. Allele origin: germline.
Comment: The LBR c.1813C>T variant is predicted to result in the amino acid substitution p.Arg605Cys. To our knowledge, this variant has not been reported in the literature. This variant is reported in 0.0054% of alleles in individuals of East Asian descent in gnomAD. At this time, the clinical significance of this variant is uncertain due to the absence of conclusive functional and genetic evidence.

Labcorp Genetics (formerly Invitae), Labcorp
Classification: Uncertain significance. Last evaluated: 2023-12-06. Review status: criteria provided, single submitter. Criteria: Invitae Variant Classification Sherloc (09022015). Collection method: clinical testing. Allele origin: germline.
Comment: This sequence change replaces arginine, which is basic and polar, with cysteine, which is neutral and slightly polar, at codon 605 of the LBR protein (p.Arg605Cys). This variant is present in population databases (no rsID available, gnomAD 0.006%). This variant has not been reported in the literature in individuals affected with LBR-related conditions. ClinVar contains an entry for this variant (Variation ID: 1949977). Advanced modeling of protein sequence and biophysical properties (such as structural, functional, and spatial information, amino acid conservation, physicochemical variation, residue mobility, and thermodynamic stability) performed at Invitae indicates that this missense variant is not expected to disrupt LBR protein function with a negative predictive value of 80%. In summary, the available evidence is currently insufficient to determine the role of this variant in disease. Therefore, it has been classified as a Variant of Uncertain Significance.

NM_002296.4(LBR):c.1813C>T (p.Arg605Cys)

Gene: LBR (lamin B receptor; minus strand). Cytogenetic location: 1q42.12.
Variant type: single nucleotide variant.
Coding change: c.1813C>T on transcript NM_002296.4 (MANE Select); coding-DNA position 1813, C replaced by T.
Protein change: p.Arg605Cys; replaces arginine 605 with cysteine.
Molecular consequence: missense variant.
Genome position (GRCh38, 1-based): chr1:225,403,338, G>A on the plus strand (C>T on the coding strand, the complement: LBR is on the minus strand). VCF-style: chr1-225403338-G-A. GRCh37 (hg19) VCF-style: chr1-225591040-G-A.
Other names: c.1813C>T (NM_002296.3); c.1813C>T, p.Arg605Cys (NM_194442.3); short protein forms R605C.
Identifiers: ClinVar variation 1949977 (VCV001949977.6), dbSNP rs918778528, ClinGen allele CA38504723.
Genomic context (GRCh38, chr1:225,403,338, plus strand): 5'-ATTTTGTAGAAAAGCCAGAAGAGCATTAGTAGATGTATGGAAATATACGGTAGGGCACAC[G>A]CTGACAGTACTTTTCCCAAGCCACGCCGTATTTCTTCTTACAGTGGTACTCGTCACGAGC-3'
Protein context (NP_002287.2, residues 595-615): YGVAWEKYCQ[Arg605Cys]VPYRIFPYIY